The following is an entry in ClinVar:

ClinVar aggregate classification (germline): Pathogenic (1 of 4 stars; one submission).

Submission:

ISCA Site 6
Classification: Pathogenic. Last evaluated: 2011-08-12. Review status: criteria provided, single submitter. Criteria: Kaminsky et al. (Genet Med. 2011). Collection method: clinical testing. Allele origin: de novo. Affected: yes. Observed: 2 variant alleles.
Comment: Copy number variation identified through the course of routine clinical cytogenomic testing in postnatal populations. Clinical assertions have been curated as described in Kaminsky et al. 2011.

GRCh38/hg38 16p11.2(chr16:29829840-30183432)x1

Genes: ALDOA (aldolase, fructose-bisphosphate A; plus strand), ASPHD1 (aspartate beta-hydroxylase domain containing 1; plus strand), CDIPT (CDP-diacylglycerol--inositol 3-phosphatidyltransferase; minus strand), CDIPTOSP (CDIP transferase opposite strand, pseudogene; plus strand), CORO1A-AS1 (CORO1A antisense RNA 1; minus strand) and 45 more. Cytogenetic location: 16p11.2.
Variant type: copy number loss.
Change: copy number 1 (one copy instead of two) of chr16:29,829,840-30,183,432 (353.6 kb, GRCh38 coordinates, 1-based), cytogenetic band 16p11.2.
Identifiers: ClinVar variation 60413 (VCV000060413.2).